The following is an entry in ClinVar:

ClinVar aggregate classification (germline): Uncertain significance (1 of 4 stars; one submission).

Conditions:
Hereditary cancer-predisposing syndrome. Also called: Neoplastic Syndromes, Hereditary; Tumor predisposition; Hereditary Cancer Syndrome; Hereditary neoplastic syndrome. Identifiers: Orphanet 140162, MedGen C0027672, MeSH D009386, MONDO:0015356.

Submission:

Ambry Genetics
Classification: Uncertain significance for Hereditary cancer-predisposing syndrome. Last evaluated: 2026-02-17. Review status: criteria provided, single submitter. Criteria: Ambry Variant Classification Scheme 2023. Collection method: clinical testing. Allele origin: germline.
Comment: The p.S49G variant (also known as c.145A>G), located in coding exon 3 of the SMARCE1 gene, results from an A to G substitution at nucleotide position 145. The serine at codon 49 is replaced by glycine, an amino acid with similar properties. This amino acid position is well conserved in available vertebrate species. In addition, this alteration is predicted to be tolerated by in silico analysis. Based on the available evidence, the clinical significance of this variant remains unclear.

NM_003079.5(SMARCE1):c.145A>G (p.Ser49Gly)

Gene: SMARCE1 (SWI/SNF related BAF chromatin remodeling complex subunit E1; minus strand). Cytogenetic location: 17q21.2.
Variant type: single nucleotide variant.
Coding change: c.145A>G on transcript NM_003079.5 (MANE Select); coding-DNA position 145, A replaced by G.
Protein change: p.Ser49Gly; replaces serine 49 with glycine.
Molecular consequence: missense variant.
Genome position (GRCh38, 1-based): chr17:40,642,466, T>C on the plus strand (A>G on the coding strand, the complement: SMARCE1 is on the minus strand). VCF-style: chr17-40642466-T-C. GRCh37 (hg19) VCF-style: chr17-38798718-T-C.
Other names: short protein forms S49G.
Identifiers: ClinVar variation 4845048 (VCV004845048.1).